The following is an entry in ClinVar:

NM_012233.3(RAB3GAP1):c.2290-10C>T

Gene: RAB3GAP1 (RAB3 GTPase activating protein catalytic subunit 1; plus strand). Cytogenetic location: 2q21.3.
Variant type: single nucleotide variant.
Coding change: c.2290-10C>T on transcript NM_012233.3 (MANE Select); 10 bases into the intron before coding-DNA position 2290, C replaced by T.
Molecular consequence: intron variant.
Genome position (GRCh38, 1-based): chr2:135,162,545, C>T. VCF-style: chr2-135162545-C-T. GRCh37 (hg19) VCF-style: chr2-135920115-C-T.
Other names: c.2290-10C>T (NM_001172435.2, NM_012233.2).
Identifiers: ClinVar variation 3020448 (VCV003020448.4), dbSNP rs1332141263, ClinGen allele CA348584480.

ClinVar aggregate classification (germline): Likely benign. Review status: criteria provided, single submitter (1 of 4 stars). 2 submissions from 2 submitters: Likely benign (1). 1 of the submissions does not count toward it. Last evaluated 2024-03-04.

Conditions:
RAB3GAP1-related disorder. Also called: RAB3GAP1-related condition; RAB3GAP1-related disorders.

Allele frequency attached by ClinVar (database versions not stated): TOPMed below 0.00001; gnomAD 0.00001.
gnomAD v4.1: 3 of 1,607,340 alleles (0.00019%); highest among the groups gnomAD compares: African/African-American, 0.0013%; no homozygotes.

Submissions (2):

Labcorp Genetics (formerly Invitae), Labcorp
Classification: Likely benign. Last evaluated: 2024-03-04. Review status: criteria provided, single submitter. Criteria: Invitae Variant Classification Sherloc (09022015). Collection method: clinical testing. Allele origin: germline.

PreventionGenetics, part of Exact Sciences
Classification: Likely benign for RAB3GAP1-related condition. Last evaluated: 2024-06-28. Review status: no assertion criteria provided. Collection method: clinical testing. Allele origin: germline. Not counted in ClinVar's aggregate classification.
Comment: This variant is classified as likely benign based on ACMG/AMP sequence variant interpretation guidelines (Richards et al. 2015 PMID: 25741868, with internal and published modifications).